The following is an entry in ClinVar:

ClinVar aggregate classification (germline): Likely benign. Review status: criteria provided, multiple submitters, no conflicts (2 of 4 stars). 3 submissions from 3 submitters: Likely benign (3). Last evaluated 2025-08-11.

Conditions:
Inborn genetic diseases. Identifiers: MedGen C0950123, MeSH D030342.
Charcot-Marie-Tooth disease axonal type 2C (HMSN2C). Also called: CHARCOT-MARIE-TOOTH DISEASE, AXONAL, AUTOSOMAL DOMINANT, TYPE 2C; Charcot-Marie-Tooth Neuropathy Type 2C; Charcot-Marie-Tooth Disease Type 2, TRPV4-Related (CMT2C). Identifiers: Orphanet 99937, MedGen C1853710, MONDO:0011633, OMIM 606071.

Allele frequency attached by ClinVar (database versions not stated): TOPMed 0.00003.
gnomAD v4.1: 25 of 1,614,042 alleles (0.0015%); highest among the groups gnomAD compares: African/African-American, 0.012%; no homozygotes.

Submissions (3):

Labcorp Genetics (formerly Invitae), Labcorp
Classification: Likely benign for Charcot-Marie-Tooth disease axonal type 2C. Last evaluated: 2025-08-11. Review status: criteria provided, single submitter. Criteria: Invitae Variant Classification Sherloc (09022015). Collection method: clinical testing. Allele origin: germline.

Ambry Genetics
Classification: Likely benign for Inborn genetic diseases. Last evaluated: 2019-07-11. Review status: criteria provided, single submitter. Criteria: Ambry Variant Classification Scheme 2023. Collection method: clinical testing. Allele origin: germline.

GeneDx
Classification: Likely benign. Last evaluated: 2016-05-25. Review status: criteria provided, single submitter. Criteria: GeneDx Variant Classification (06012015). Collection method: clinical testing. Allele origin: germline. Affected: yes.
Comment: This variant is considered likely benign or benign based on one or more of the following criteria: it is a conservative change, it occurs at a poorly conserved position in the protein, it is predicted to be benign by multiple in silico algorithms, and/or has population frequency not consistent with disease.

NM_021625.5(TRPV4):c.957G>A (p.Ser319=)

Gene: TRPV4 (transient receptor potential cation channel subfamily V member 4; minus strand). Cytogenetic location: 12q24.11.
Variant type: single nucleotide variant.
Coding change: c.957G>A on transcript NM_021625.5 (MANE Select); coding-DNA position 957, G replaced by A.
Protein change: p.Ser319=; no amino-acid change (serine 319 retained).
Molecular consequence: synonymous variant.
Genome position (GRCh38, 1-based): chr12:109,798,809, C>T on the plus strand (G>A on the coding strand, the complement: TRPV4 is on the minus strand). VCF-style: chr12-109798809-C-T. GRCh37 (hg19) VCF-style: chr12-110236614-C-T.
Other names: c.957G>A, p.Ser319= (NM_147204.3); c.816G>A, p.Ser272= (NM_001177428.2, NM_001177433.2); c.855G>A, p.Ser285= (NM_001177431.2).
Identifiers: ClinVar variation 385999 (VCV000385999.9), dbSNP rs116698155, ClinGen allele CA6780381.